The following is an entry in ClinVar:

NM_000439.5(PCSK1):c.1633_1635del (p.Pro545del)

Genes: CAST (calpastatin; plus strand), PCSK1 (proprotein convertase subtilisin/kexin type 1; minus strand), LOC101929710 (uncharacterized LOC101929710; plus strand). Cytogenetic location: 5q15.
Variant type: Deletion.
Coding change: c.1633_1635del on transcript NM_000439.5 (MANE Select); coding-DNA positions 1633 to 1635, 3 bases deleted (CCT; older notation c.1633_1635delCCT).
Protein change: p.Pro545del; deletes proline 545.
Molecular consequence: inframe deletion. On other transcripts: intron variant (11).
Genome position (GRCh38, 1-based): chr5:96,397,423-96,397,425, AGG deleted on the plus strand (CCT on the coding strand, the reverse complement: PCSK1 is on the minus strand); deleting any 3 consecutive bases within chr5:96,397,423-96,397,427 gives the same sequence; the c. name uses the placement nearest the transcript's 3' end. VCF-style (leftmost placement, unchanged base first): chr5-96397422-TAGG-T. GRCh37 (hg19) VCF-style: chr5-95733126-TAGG-T.
Other names: c.1492_1494del, p.Pro498del (NM_001177875.2); c.-175+17773_-175+17775del (NM_001423254.1, NM_001423259.1, NM_001423255.1 and 6 more transcripts); c.-103+17773_-103+17775del (NM_001423253.1); c.-40+17773_-40+17775del (NM_001423258.1); short protein forms P498del, P545del.
Identifiers: ClinVar variation 4988764 (VCV004988764.1).

ClinVar aggregate classification (germline): Uncertain significance (1 of 4 stars; one submission).

Conditions:
PCSK1-related disorder. Also called: PCSK1-related condition.

Submission:

PreventionGenetics, part of Exact Sciences
Classification: Uncertain significance for PCSK1-related condition. Last evaluated: 2025-11-26. Review status: criteria provided, single submitter. Criteria: ACMG Guidelines, 2015. Collection method: clinical testing. Allele origin: germline.
Comment: The PCSK1 c.1633_1635delCCT variant is predicted to result in an in-frame deletion (p.Pro545del). To our knowledge, this variant has not been reported in the literature or in a large population database (gnomAD), indicating this variant is rare. At this time, the clinical significance of this variant is uncertain due to the absence of conclusive functional and genetic evidence.